The following is an entry in ClinVar:

ClinVar aggregate classification (germline): Uncertain significance (1 of 4 stars; one submission).

Conditions:
Inborn genetic diseases. Identifiers: MedGen C0950123, MeSH D030342.

Allele frequency attached by ClinVar (database versions not stated): gnomAD 0.00001; TOPMed 0.00001.

Submission:

Ambry Genetics
Classification: Uncertain significance for Hereditary disease. Last evaluated: 2016-05-26. Review status: criteria provided, single submitter. Criteria: ambry_reporting_categories_2017. Collection method: clinical testing. Allele origin: germline. Affected: yes. Observed: 1 heterozygote. Segregation with disease observed.
Comment: Lines of evidence used in support of classification: UNCERTAIN: Alteration(s) of Uncertain Clinical Significance Detected

Literature cited by the submitters: PubMed 11431708; PubMed 17173049; PubMed 11733747; PubMed 20385823; PubMed 17999366; PubMed 12920066; PubMed 22892527; PubMed 16439662; PubMed 15458844; PubMed 22670140; PubMed 25621899; PubMed 26544041; PubMed 27118998; PubMed 27554343.

NM_001372044.2(SHANK3):c.2968C>G (p.Pro990Ala)

Gene: SHANK3 (SH3 and multiple ankyrin repeat domains 3; plus strand). Cytogenetic location: 22q13.33.
Variant type: single nucleotide variant.
Coding change: c.2968C>G on transcript NM_001372044.2 (MANE Select); coding-DNA position 2968, C replaced by G.
Protein change: p.Pro990Ala; replaces proline 990 with alanine.
Molecular consequence: missense variant.
Genome position (GRCh38, 1-based): chr22:50,720,576, C>G. VCF-style: chr22-50720576-C-G. GRCh37 (hg19) VCF-style: chr22-51159004-C-G.
Other names: c.2743C>G, p.Pro915Ala (NM_033517.1); short protein forms P915A, P990A.
Identifiers: ClinVar variation 521068 (VCV000521068.3), dbSNP rs975392090, ClinGen allele CA325578145.